The following is an entry in ClinVar:

NM_001081.4(CUBN):c.205G>T (p.Gly69Ter)

Gene: CUBN (cubilin; minus strand). Cytogenetic location: 10p13.
Variant type: single nucleotide variant.
Coding change: c.205G>T on transcript NM_001081.4 (MANE Select); coding-DNA position 205, G replaced by T.
Protein change: p.Gly69Ter; replaces glycine 69 with a stop codon.
Molecular consequence: nonsense.
Genome position (GRCh38, 1-based): chr10:17,129,168, C>A on the plus strand (G>T on the coding strand, the complement: CUBN is on the minus strand). VCF-style: chr10-17129168-C-A. GRCh37 (hg19) VCF-style: chr10-17171167-C-A.
Other names: short protein forms G69*.
Identifiers: ClinVar variation 1333201 (VCV001333201.1), dbSNP rs2131331380, ClinGen allele CA376169704.

ClinVar aggregate classification (germline): Likely pathogenic (1 of 4 stars; one submission).

Conditions:
Proteinuria, chronic benign. Identifiers: MedGen C5394384, MONDO:0030042, OMIM 618884.

Submission:

3billion
Classification: Likely pathogenic for Proteinuria, chronic benign. Last evaluated: 2022-01-03. Review status: criteria provided, single submitter. Criteria: ACMG Guidelines, 2015. Collection method: clinical testing. Allele origin: germline. Affected: yes. Observed: 1 heterozygote.
Comment: Stop-gained (nonsense): predicted to result in a loss or disruption of normal protein function through nonsense-mediated decay (NMD) or protein truncation. Multiple pathogenic variants are reported downstream of the variant (PVS1_VS). It is not observed in the gnomAD v2.1.1 dataset (PM2_M). Therefore, this variant is classified as likely pathogenic according to the recommendation of ACMG/AMP guideline.